The following is an entry in ClinVar:

ClinVar aggregate classification (germline): Likely benign. Review status: criteria provided, multiple submitters, no conflicts (2 of 4 stars). 2 submissions from 2 submitters: Likely benign (2). Last evaluated 2025-06-18.

Conditions:
Hereditary nonpolyposis colorectal neoplasms. Identifiers: MedGen C0009405, MeSH D003123.
Lynch syndrome 4 (LYNCH4). Also called: Hereditary non-polyposis colorectal cancer, type 4; Colorectal cancer, hereditary nonpolyposis, type 4. Identifiers: Orphanet 144, MedGen C1838333, MONDO:0013699, OMIM 614337. Disease mechanism: loss of function.

Allele frequency attached by ClinVar (database versions not stated): gnomAD exomes below 0.00001; TOPMed below 0.00001; ExAC 0.00001; gnomAD 0.00001.
gnomAD v4.1: 3 of 1,613,876 alleles (0.00019%); highest among the groups gnomAD compares: Non-Finnish European, 0.00025%; no homozygotes.

Submissions (2):

Labcorp Genetics (formerly Invitae), Labcorp
Classification: Likely benign for Hereditary nonpolyposis colorectal neoplasms. Last evaluated: 2025-06-18. Review status: criteria provided, single submitter. Criteria: Invitae Variant Classification Sherloc (09022015). Collection method: clinical testing. Allele origin: germline.

Myriad Genetics, Inc.
Classification: Likely benign for Lynch syndrome 4. Last evaluated: 2025-01-28. Review status: criteria provided, single submitter. Criteria: Myriad Autosomal Dominant, Autosomal Recessive and X-Linked Classification Criteria (2023). Collection method: clinical testing. Allele origin: unknown.
Comment: This variant is considered likely benign. This variant is intronic and is not expected to impact mRNA splicing.

NM_000535.7(PMS2):c.705+8T>C

Gene: PMS2 (PMS1 homolog 2, mismatch repair system component; minus strand). Cytogenetic location: 7p22.1.
Variant type: single nucleotide variant.
Coding change: c.705+8T>C on transcript NM_000535.7 (MANE Select); 8 bases into the intron after coding-DNA position 705, T replaced by C.
Molecular consequence: intron variant.
Genome position (GRCh38, 1-based): chr7:5,999,100, A>G on the plus strand (T>C on the coding strand, the complement: PMS2 is on the minus strand). VCF-style: chr7-5999100-A-G. GRCh37 (hg19) VCF-style: chr7-6038731-A-G.
Other names: c.387+8T>C (NM_001322008.2, NM_001322007.2); c.300+8T>C (NM_001322010.2, NM_001322004.2, NM_001322003.2 and 2 more transcripts); c.133-1677T>C (NM_001322013.2); c.-229+8T>C (NM_001322012.2, NM_001322011.2); c.396+8T>C (NM_001322015.2); c.705+8T>C (NM_001322006.2, NM_001322014.2).
Identifiers: ClinVar variation 762653 (VCV000762653.9), dbSNP rs775838917, ClinGen allele CA051124.